The following is an entry in ClinVar:

NM_002474.3(MYH11):c.5616A>C (p.Ala1872=)

Genes: MYH11 (myosin heavy chain 11; minus strand), NDE1 (nudE neurodevelopment protein 1; plus strand). Cytogenetic location: 16p13.11.
Variant type: single nucleotide variant.
Coding change: c.5616A>C on transcript NM_002474.3 (MANE Select); coding-DNA position 5616, A replaced by C.
Protein change: p.Ala1872=; no amino-acid change (alanine 1872 retained).
Molecular consequence: synonymous variant. On other transcripts: intron variant (2).
Genome position (GRCh38, 1-based): chr16:15,715,079, T>G on the plus strand (A>C on the coding strand, the complement: MYH11 is on the minus strand). VCF-style: chr16-15715079-T-G. GRCh37 (hg19) VCF-style: chr16-15808936-T-G.
Other names: c.5637A>C, p.Ala1879= (NM_001040113.2, NM_001040114.2); c.5616A>C, p.Ala1872= (NM_022844.3); c.948-9112T>G (NM_001143979.2, NM_017668.3).
Identifiers: ClinVar variation 2578759 (VCV002578759.25), dbSNP rs1328469024, ClinGen allele CA493748105.

ClinVar aggregate classification (germline): Likely benign (1 of 4 stars; one submission).

Submission:

CeGaT Center for Human Genetics Tuebingen
Classification: Likely benign. Last evaluated: 2024-10-01. Review status: criteria provided, single submitter. Criteria: CeGaT Center For Human Genetics Tuebingen Variant Classification Criteria Version 2. Collection method: clinical testing. Allele origin: germline. Affected: yes. Observed: 3 variant alleles.
Comment: MYH11: PM2:Supporting, BP4, BP7